The following is an entry in ClinVar:

ClinVar aggregate classification (germline): Uncertain significance. Review status: criteria provided, multiple submitters, no conflicts (2 of 4 stars). 2 submissions from 2 submitters: Uncertain significance (2). Last evaluated 2026-03-23.

Conditions:
Inborn genetic diseases. Identifiers: MedGen C0950123, MeSH D030342.

gnomAD v4.1: 13 of 1,614,128 alleles (0.00081%); highest among the groups gnomAD compares: Middle Eastern, 0.016%; no homozygotes.

Submissions (2):

Ambry Genetics
Classification: Uncertain significance for Inborn genetic diseases. Last evaluated: 2026-03-23. Review status: criteria provided, single submitter. Criteria: Ambry Variant Classification Scheme 2023. Collection method: clinical testing. Allele origin: germline.

GeneDx
Classification: Uncertain significance. Last evaluated: 2025-01-07. Review status: criteria provided, single submitter. Criteria: GeneDx Variant Classification Process June 2021. Collection method: clinical testing. Allele origin: germline. Affected: yes.
Comment: Not observed at significant frequency in large population cohorts (gnomAD); In silico analysis indicates that this missense variant does not alter protein structure/function; Has not been previously published as pathogenic or benign to our knowledge

NM_020699.4(GATAD2B):c.1040A>G (p.Asn347Ser)

Gene: GATAD2B (GATA zinc finger domain containing 2B; minus strand). Cytogenetic location: 1q21.3.
Variant type: single nucleotide variant.
Coding change: c.1040A>G on transcript NM_020699.4 (MANE Select); coding-DNA position 1040, A replaced by G.
Protein change: p.Asn347Ser; replaces asparagine 347 with serine.
Molecular consequence: missense variant.
Genome position (GRCh38, 1-based): chr1:153,816,449, T>C on the plus strand (A>G on the coding strand, the complement: GATAD2B is on the minus strand). VCF-style: chr1-153816449-T-C. GRCh37 (hg19) VCF-style: chr1-153788925-T-C.
Other names: short protein forms N347S.
Identifiers: ClinVar variation 4056018 (VCV004056018.2).